The following is an entry in ClinVar:

ClinVar aggregate classification (germline): Uncertain significance (1 of 4 stars; one submission).

Submission:

GeneDx
Classification: Uncertain significance. Last evaluated: 2019-10-22. Review status: criteria provided, single submitter. Criteria: GeneDx Variant Classification Process June 2021. Collection method: clinical testing. Allele origin: germline. Affected: yes.
Comment: Not observed in large population cohorts (Lek et al., 2016); In silico analysis, which includes protein predictors and evolutionary conservation, supports that this variant does not alter protein structure/function; Has not been previously published as pathogenic or benign to our knowledge

NM_004817.4(TJP2):c.3152A>T (p.Lys1051Met)

Gene: TJP2 (tight junction protein 2; plus strand). Cytogenetic location: 9q21.11.
Variant type: single nucleotide variant.
Coding change: c.3152A>T on transcript NM_004817.4 (MANE Select); coding-DNA position 3152, A replaced by T.
Protein change: p.Lys1051Met; replaces lysine 1051 with methionine.
Molecular consequence: missense variant. On other transcripts: intron variant (3).
Genome position (GRCh38, 1-based): chr9:69,251,195, A>T. VCF-style: chr9-69251195-A-T. GRCh37 (hg19) VCF-style: chr9-71866111-A-T.
Other names: c.3053A>T, p.Lys1018Met (NM_001170415.1); c.3245A>T, p.Lys1082Met (NM_001170416.2); c.3077A>T, p.Lys1026Met (NM_001369870.1); c.3083A>T, p.Lys1028Met (NM_001369871.1); c.3041A>T, p.Lys1014Met (NM_001369872.1); c.2828A>T, p.Lys943Met (NM_001369873.1); c.3164A>T, p.Lys1055Met (NM_001369875.1); c.2812-1620A>T (NM_001170414.2); and 2 more; short protein forms K1014M, K1018M, K1026M, K1028M, K1051M, K1055M, K1082M, K943M.
Identifiers: ClinVar variation 1309536 (VCV001309536.2), dbSNP rs1284322615, ClinGen allele CA373541496.